The following is an entry in ClinVar:

ClinVar aggregate classification (germline): Pathogenic (1 of 4 stars; one submission).

Submission:

GeneDx
Classification: Pathogenic. Last evaluated: 2019-08-28. Review status: criteria provided, single submitter. Criteria: GeneDx Variant Classification Process June 2021. Collection method: clinical testing. Allele origin: germline. Affected: yes.
Comment: Canonical splice site variant in a gene for which loss-of-function is a known mechanism of disease; Not observed in large population cohorts (Lek et al., 2016); Has not been previously published as pathogenic or benign to our knowledge

NM_003482.4(KMT2D):c.6109+1G>C

Gene: KMT2D (lysine methyltransferase 2D; minus strand). Cytogenetic location: 12q13.12.
Variant type: single nucleotide variant.
Coding change: c.6109+1G>C on transcript NM_003482.4 (MANE Select); the canonical splice donor site of the intron after coding-DNA position 6109, G replaced by C.
Molecular consequence: splice donor variant.
Genome position (GRCh38, 1-based): chr12:49,042,088, C>G on the plus strand (G>C on the coding strand, the complement: KMT2D is on the minus strand). VCF-style: chr12-49042088-C-G. GRCh37 (hg19) VCF-style: chr12-49435871-C-G.
Identifiers: ClinVar variation 1206672 (VCV001206672.3), dbSNP rs2120552710, ClinGen allele CA384626585.
Genomic context (GRCh38, chr12:49,042,088, plus strand): 5'-AGGCGACTCCTCCACCTGCCATGTTGCCAGGCTGTCTCCCTTGCCCTCATCCCACAGGTA[C>G]CTGGGTAGTCTTGCTTGAGATTAGGAAAATTAATGTTGGCATAGAGCACAGGTGAGATGG-3'